The following is an entry in ClinVar:

ClinVar aggregate classification (germline): Uncertain significance (1 of 4 stars; one submission).

Submission:

GeneDx
Classification: Uncertain significance. Last evaluated: 2020-11-10. Review status: criteria provided, single submitter. Criteria: GeneDx Variant Classification (06012015). Collection method: clinical testing. Allele origin: germline. Affected: yes.
Comment: The E100K variant in the NAA10 gene has not been reported previously as a pathogenic variant, nor as a benign variant, to our knowledge. The E100K variant is not observed in large population cohorts (Lek et al., 2016). The E100K variant is a non-conservative amino acid substitution, which is likely to impact secondary protein structure as these residues differ in polarity, charge, size and/or other properties. In-silico analyses, including protein predictors and evolutionary conservation, support a deleterious effect. We interpret E100K as a variant of uncertain significance.

NM_003491.4(NAA10):c.298G>A (p.Glu100Lys)

Gene: NAA10 (N-alpha-acetyltransferase 10, NatA catalytic subunit; minus strand). Cytogenetic location: Xq28.
Variant type: single nucleotide variant.
Coding change: c.298G>A on transcript NM_003491.4 (MANE Select); coding-DNA position 298, G replaced by A.
Protein change: p.Glu100Lys; replaces glutamic acid 100 with lysine.
Molecular consequence: missense variant.
Genome position (GRCh38, 1-based): chrX:153,932,359, C>T on the plus strand (G>A on the coding strand, the complement: NAA10 is on the minus strand). VCF-style: chrX-153932359-C-T. GRCh37 (hg19) VCF-style: chrX-153197812-C-T.
Other names: c.298G>A, p.Glu100Lys (NM_001256119.2); c.280G>A, p.Glu94Lys (NM_001256120.2); short protein forms E100K, E94K.
Identifiers: ClinVar variation 986784 (VCV000986784.1), dbSNP rs2065171629, ClinGen allele CA415159228.